The following is an entry in ClinVar:

NM_001363711.2(DUOX2):c.3415+5G>A

Gene: DUOX2 (dual oxidase 2; minus strand). Cytogenetic location: 15q21.1.
Variant type: single nucleotide variant.
Coding change: c.3415+5G>A on transcript NM_001363711.2 (MANE Select); 5 bases into the intron after coding-DNA position 3415, G replaced by A.
Molecular consequence: intron variant.
Genome position (GRCh38, 1-based): chr15:45,099,657, C>T on the plus strand (G>A on the coding strand, the complement: DUOX2 is on the minus strand). VCF-style: chr15-45099657-C-T. GRCh37 (hg19) VCF-style: chr15-45391855-C-T.
Other names: c.3415+5G>A (NM_014080.5).
Identifiers: ClinVar variation 1475187 (VCV001475187.6), dbSNP rs370794299, ClinGen allele CA7537881.

ClinVar aggregate classification (germline): Uncertain significance (1 of 4 stars; one submission).

Allele frequency attached by ClinVar (database versions not stated): TOPMed 0.00003; ExAC 0.00005; gnomAD 0.00005; gnomAD exomes 0.00005; ESP Exome Variant Server 0.00008; 1000 Genomes Project 30x 0.00016; 1000 Genomes Project 0.00020.
gnomAD v4.1: 28 of 1,614,100 alleles (0.0017%); highest among the groups gnomAD compares: African/African-American, 0.0093%; no homozygotes.

Submission:

Labcorp Genetics (formerly Invitae), Labcorp
Classification: Uncertain significance. Last evaluated: 2025-05-19. Review status: criteria provided, single submitter. Criteria: Invitae Variant Classification Sherloc (09022015). Collection method: clinical testing. Allele origin: germline.
Comment: This sequence change falls in intron 25 of the DUOX2 gene. It does not directly change the encoded amino acid sequence of the DUOX2 protein. It affects a nucleotide within the consensus splice site. This variant is present in population databases (rs370794299, gnomAD 0.02%). This variant has not been reported in the literature in individuals affected with DUOX2-related conditions. ClinVar contains an entry for this variant (Variation ID: 1475187). Variants that disrupt the consensus splice site are a relatively common cause of aberrant splicing (PMID: 17576681, 9536098). Algorithms developed to predict the effect of sequence changes on RNA splicing suggest that this variant may disrupt the consensus splice site. In summary, the available evidence is currently insufficient to determine the role of this variant in disease. Therefore, it has been classified as a Variant of Uncertain Significance.

Literature cited by the submitters: PubMed 17576681; PubMed 9536098.